The following is an entry in ClinVar:

NM_001005242.3(PKP2):c.144C>T (p.Gly48=)

Gene: PKP2 (plakophilin 2; minus strand). Cytogenetic location: 12p11.21.
Variant type: single nucleotide variant.
Coding change: c.144C>T on transcript NM_001005242.3 (MANE Select); coding-DNA position 144, C replaced by T.
Protein change: p.Gly48=; no amino-acid change (glycine 48 retained).
Molecular consequence: synonymous variant. On other transcripts: 5 prime UTR variant (4).
Genome position (GRCh38, 1-based): chr12:32,896,588, G>A on the plus strand (C>T on the coding strand, the complement: PKP2 is on the minus strand). VCF-style: chr12-32896588-G-A. GRCh37 (hg19) VCF-style: chr12-33049522-G-A.
Other names: c.144C>T, p.Gly48= (NM_001407155.1, NM_001407156.1, NM_001407157.1 and 2 more transcripts); c.-683C>T (NM_001407158.1, NM_001407162.1); c.-447C>T (NM_001407159.1, NM_001407160.1).
Identifiers: ClinVar variation 3073266 (VCV003073266.1), dbSNP rs1397587010, ClinGen allele CA479175853.

ClinVar aggregate classification (germline): Uncertain significance (1 of 4 stars; one submission).

Conditions:
Arrhythmogenic right ventricular cardiomyopathy (ARVD). Also called: Arrhythmogenic right ventricular dysplasia; Cardiomyopathy, ARVC; Arrhythmogenic cardiomyopathy; Arrhythmogenic Right Ventricular Cardiomyopathy (ARVC). Identifiers: Orphanet 247, MedGen C0349788, MeSH D019571, MONDO:0016587. Disease mechanism: loss of function. Inheritance: Various modes of inheritance.

Allele frequency attached by ClinVar (database versions not stated): TOPMed 0.00001; gnomAD exomes below 0.00001; gnomAD 0.00001.
gnomAD v4.1: 3 of 1,586,128 alleles (0.00019%); highest among the groups gnomAD compares: Admixed American, 0.0034%; no homozygotes.

Submission:

All of Us Research Program, National Institutes of Health
Classification: Uncertain significance for Arrhythmogenic right ventricular cardiomyopathy. Last evaluated: 2023-12-13. Review status: criteria provided, single submitter. Criteria: ACMG Guidelines, 2015. Collection method: clinical testing. Allele origin: germline. Inheritance: Autosomal dominant inheritance. Observed: 2 variant alleles, 2 heterozygotes.
Comment: This variant is located in the PKP2 protein. To our knowledge, functional studies have not been reported for this variant. This variant has not been reported in individuals affected with PKP2-related disorders in the literature. This variant has not been identified in the general population by the Genome Aggregation Database (gnomAD). The available evidence is insufficient to determine the role of this variant in disease conclusively. Therefore, this variant is classified as a Variant of Uncertain Significance.

This study involves interpretation of variants in research participants for the purpose of population health screening. Participant phenotype was not available at the time of variant classification. Additional details can be found in publication PMID: 35346344, PMCID: PMC8962531